The following is an entry in ClinVar:

ClinVar aggregate classification (germline): Uncertain significance. Review status: criteria provided, multiple submitters, no conflicts (2 of 4 stars). 2 submissions from 2 submitters: Uncertain significance (2). Last evaluated 2024-10-12.

Allele frequency attached by ClinVar (database versions not stated): gnomAD exomes below 0.00001 and 0.00001; ExAC 0.00001; gnomAD 0.00001.
gnomAD v4.1: 5 of 1,207,718 alleles (0.00041%); highest among the groups gnomAD compares: East Asian, 0.0059%; no homozygotes.

Submissions (2):

Labcorp Genetics (formerly Invitae), Labcorp
Classification: Uncertain significance. Last evaluated: 2024-10-12. Review status: criteria provided, single submitter. Criteria: Invitae Variant Classification Sherloc (09022015). Collection method: clinical testing. Allele origin: germline.
Comment: This sequence change replaces valine, which is neutral and non-polar, with isoleucine, which is neutral and non-polar, at codon 1549 of the BRWD3 protein (p.Val1549Ile). The frequency data for this variant in the population databases is considered unreliable, as metrics indicate poor data quality at this position in the gnomAD database. This variant has not been reported in the literature in individuals affected with BRWD3-related conditions. ClinVar contains an entry for this variant (Variation ID: 1331641). Invitae Evidence Modeling of protein sequence and biophysical properties (such as structural, functional, and spatial information, amino acid conservation, physicochemical variation, residue mobility, and thermodynamic stability) indicates that this missense variant is not expected to disrupt BRWD3 protein function with a negative predictive value of 80%. In summary, the available evidence is currently insufficient to determine the role of this variant in disease. Therefore, it has been classified as a Variant of Uncertain Significance.

Greenwood Genetic Center Diagnostic Laboratories, Greenwood Genetic Center
Classification: Uncertain significance. Last evaluated: 2021-01-12. Review status: criteria provided, single submitter. Criteria: ACMG Guidelines, 2015. Collection method: clinical testing. Allele origin: germline. Affected: yes.
Comment: BP4, PP2, PM2

NM_153252.5(BRWD3):c.4645G>A (p.Val1549Ile)

Gene: BRWD3 (bromodomain and WD repeat domain containing 3; minus strand). Cytogenetic location: Xq21.1.
Variant type: single nucleotide variant.
Coding change: c.4645G>A on transcript NM_153252.5 (MANE Select); coding-DNA position 4645, G replaced by A.
Protein change: p.Val1549Ile; replaces valine 1549 with isoleucine.
Molecular consequence: missense variant.
Genome position (GRCh38, 1-based): chrX:80,681,350, C>T on the plus strand (G>A on the coding strand, the complement: BRWD3 is on the minus strand). VCF-style: chrX-80681350-C-T. GRCh37 (hg19) VCF-style: chrX-79936849-C-T.
Other names: short protein forms V1549I.
Identifiers: ClinVar variation 1331641 (VCV001331641.6), dbSNP rs779958182, ClinGen allele CA10461616.